The following is an entry in ClinVar:

NM_015178.3(RHOBTB2):c.2091C>G (p.Pro697=)

Gene: RHOBTB2 (Rho related BTB domain containing 2; plus strand). Cytogenetic location: 8p21.3.
Variant type: single nucleotide variant.
Coding change: c.2091C>G on transcript NM_015178.3 (MANE Select); coding-DNA position 2091, C replaced by G.
Protein change: p.Pro697=; no amino-acid change (proline 697 retained).
Molecular consequence: synonymous variant.
Genome position (GRCh38, 1-based): chr8:23,017,376, C>G. VCF-style: chr8-23017376-C-G. GRCh37 (hg19) VCF-style: chr8-22874889-C-G.
Other names: c.2157C>G, p.Pro719= (NM_001160036.2); c.2112C>G, p.Pro704= (NM_001160037.2); c.2091C>G, p.Pro697= (NM_001374791.1); c.2157C>G (NM_001160036.1).
Identifiers: ClinVar variation 1584445 (VCV001584445.10), dbSNP rs1388871808, ClinGen allele CA459953738.

ClinVar aggregate classification (germline): Likely benign. Review status: criteria provided, single submitter (1 of 4 stars). 2 submissions from 2 submitters: Likely benign (1). 1 of the submissions does not count toward it. Last evaluated 2024-11-28.

Conditions:
RHOBTB2-related disorder. Also called: RHOBTB2-related condition.

Allele frequency attached by ClinVar (database versions not stated): gnomAD 0.00001; gnomAD exomes 0.00001 and 0.00002; TOPMed 0.00002.
gnomAD v4.1: 14 of 1,614,066 alleles (0.00087%); highest among the groups gnomAD compares: Admixed American, 0.015%; no homozygotes.

Submissions (2):

Labcorp Genetics (formerly Invitae), Labcorp
Classification: Likely benign. Last evaluated: 2024-11-28. Review status: criteria provided, single submitter. Criteria: Invitae Variant Classification Sherloc (09022015). Collection method: clinical testing. Allele origin: germline.

PreventionGenetics, part of Exact Sciences
Classification: Likely benign for RHOBTB2-related condition. Last evaluated: 2021-10-04. Review status: no assertion criteria provided. Collection method: clinical testing. Allele origin: germline. Not counted in ClinVar's aggregate classification.
Comment: This variant is classified as likely benign based on ACMG/AMP sequence variant interpretation guidelines (Richards et al. 2015 PMID: 25741868, with internal and published modifications).